The following is an entry in ClinVar:

NM_015001.3(SPEN):c.3576T>G (p.Phe1192Leu)

Gene: SPEN (spen family transcriptional repressor; plus strand). Cytogenetic location: 1p36.13.
Variant type: single nucleotide variant.
Coding change: c.3576T>G on transcript NM_015001.3 (MANE Select); coding-DNA position 3576, T replaced by G.
Protein change: p.Phe1192Leu; replaces phenylalanine 1192 with leucine.
Molecular consequence: missense variant.
Genome position (GRCh38, 1-based): chr1:15,929,816, T>G. VCF-style: chr1-15929816-T-G. GRCh37 (hg19) VCF-style: chr1-16256311-T-G.
Other names: short protein forms F1192L.
Identifiers: ClinVar variation 4881748 (VCV004881748.2).

ClinVar aggregate classification (germline): Uncertain significance (1 of 4 stars; one submission).

Submission:

Dasa
Classification: Uncertain significance. Last evaluated: 2025-06-28. Review status: criteria provided, single submitter. Criteria: DASA Assertion Criteria. Collection method: clinical testing. Allele origin: germline.
Comment: NM_015001.3(SPEN):c.3576T>G (p.Phe1192Leu) is a missense variant that results in the substitution of phenylalanine with leucine. This variant is absent from population databases. Computational prediction algorithms are consistent with a benign effect. The currently available literature and clinical evidence are not sufficient to establish a definitive association between this variant and the reported condition. Therefore, this variant is classified as a variant of uncertain significance.